The following is an entry in ClinVar:

ClinVar aggregate classification (germline): Uncertain significance (1 of 4 stars; one submission).

Allele frequency attached by ClinVar (database versions not stated): gnomAD 0.00001; gnomAD exomes 0.00001; TOPMed 0.00001.

Submission:

Labcorp Genetics (formerly Invitae), Labcorp
Classification: Uncertain significance. Last evaluated: 2023-06-16. Review status: criteria provided, single submitter. Criteria: Invitae Variant Classification Sherloc (09022015). Collection method: clinical testing. Allele origin: germline.
Comment: This sequence change replaces glycine, which is neutral and non-polar, with serine, which is neutral and polar, at codon 167 of the MARS2 protein (p.Gly167Ser). This variant is not present in population databases (gnomAD no frequency). This variant has not been reported in the literature in individuals affected with MARS2-related conditions. Advanced modeling of protein sequence and biophysical properties (such as structural, functional, and spatial information, amino acid conservation, physicochemical variation, residue mobility, and thermodynamic stability) has been performed at Invitae for this missense variant, however the output from this modeling did not meet the statistical confidence thresholds required to predict the impact of this variant on MARS2 protein function. In summary, the available evidence is currently insufficient to determine the role of this variant in disease. Therefore, it has been classified as a Variant of Uncertain Significance.

NM_138395.4(MARS2):c.499G>A (p.Gly167Ser)

Gene: MARS2 (methionyl-tRNA synthetase 2, mitochondrial; plus strand). Cytogenetic location: 2q33.1.
Variant type: single nucleotide variant.
Coding change: c.499G>A on transcript NM_138395.4 (MANE Select); coding-DNA position 499, G replaced by A.
Protein change: p.Gly167Ser; replaces glycine 167 with serine.
Molecular consequence: missense variant.
Genome position (GRCh38, 1-based): chr2:197,705,904, G>A. VCF-style: chr2-197705904-G-A. GRCh37 (hg19) VCF-style: chr2-198570628-G-A.
Other names: short protein forms G167S.
Identifiers: ClinVar variation 2976021 (VCV002976021.3), dbSNP rs1297650963, ClinGen allele CA350212463.